The following is an entry in ClinVar:

NM_033380.3(COL4A5):c.4994+6G>C

Gene: COL4A5 (collagen type IV alpha 5 chain; plus strand). Cytogenetic location: Xq22.3.
Variant type: single nucleotide variant.
Coding change: c.4994+6G>C on transcript NM_033380.3 (MANE Select); 6 bases into the intron after coding-DNA position 4994, G replaced by C.
Molecular consequence: intron variant.
Genome position (GRCh38, 1-based): chrX:108,695,445, G>C. VCF-style: chrX-108695445-G-C. GRCh37 (hg19) VCF-style: chrX-107938675-G-C.
Other names: c.4976+6G>C (NM_000495.5).
Identifiers: ClinVar variation 2956095 (VCV002956095.3), dbSNP rs1453139982, ClinGen allele CA869828064.

ClinVar aggregate classification (germline): Uncertain significance (1 of 4 stars; one submission).

Allele frequency attached by ClinVar (database versions not stated): TOPMed below 0.00001.

Submission:

Labcorp Genetics (formerly Invitae), Labcorp
Classification: Uncertain significance. Last evaluated: 2023-11-20. Review status: criteria provided, single submitter. Criteria: Invitae Variant Classification Sherloc (09022015). Collection method: clinical testing. Allele origin: germline.
Comment: This sequence change falls in intron 50 of the COL4A5 gene. It does not directly change the encoded amino acid sequence of the COL4A5 protein. It affects a nucleotide within the consensus splice site. This variant is not present in population databases (gnomAD no frequency). This variant has not been reported in the literature in individuals affected with COL4A5-related conditions. Variants that disrupt the consensus splice site are a relatively common cause of aberrant splicing (PMID: 17576681, 9536098). Algorithms developed to predict the effect of sequence changes on RNA splicing suggest that this variant is not likely to affect RNA splicing. In summary, the available evidence is currently insufficient to determine the role of this variant in disease. Therefore, it has been classified as a Variant of Uncertain Significance.

Literature cited by the submitters: PubMed 17576681; PubMed 9536098.